The following is an entry in ClinVar:

NM_001330260.2(SCN8A):c.44A>G (p.Lys15Arg)

Genes: SCN8A (sodium voltage-gated channel alpha subunit 8; plus strand), LOC114803470 (SCN8A eExon liver enhancer; plus strand). Cytogenetic location: 12q13.13.
Variant type: single nucleotide variant.
Coding change: c.44A>G on transcript NM_001330260.2 (MANE Select); coding-DNA position 44, A replaced by G.
Protein change: p.Lys15Arg; replaces lysine 15 with arginine.
Molecular consequence: missense variant.
Genome position (GRCh38, 1-based): chr12:51,662,861, A>G. VCF-style: chr12-51662861-A-G. GRCh37 (hg19) VCF-style: chr12-52056645-A-G.
Other names: c.44A>G, p.Lys15Arg (NM_001177984.3, NM_001369788.1, NM_014191.4); short protein forms K15R.
Identifiers: ClinVar variation 3627362 (VCV003627362.2).

ClinVar aggregate classification (germline): Uncertain significance (1 of 4 stars; one submission).

Conditions:
Early-infantile DEE. Also called: Early infantile epileptic encephalopathy with suppression bursts; Early infantile epileptic encephalopathy; Ohtahara syndrome. Identifiers: Orphanet 1934, MedGen C0393706, MONDO:0800491.

Submission:

Labcorp Genetics (formerly Invitae), Labcorp
Classification: Uncertain significance for Early-infantile DEE. Last evaluated: 2024-06-28. Review status: criteria provided, single submitter. Criteria: Invitae Variant Classification Sherloc (09022015). Collection method: clinical testing. Allele origin: germline.
Comment: This sequence change replaces lysine, which is basic and polar, with arginine, which is basic and polar, at codon 15 of the SCN8A protein (p.Lys15Arg). This variant is not present in population databases (gnomAD no frequency). This variant has not been reported in the literature in individuals affected with SCN8A-related conditions. Advanced modeling of protein sequence and biophysical properties (such as structural, functional, and spatial information, amino acid conservation, physicochemical variation, residue mobility, and thermodynamic stability) performed at Invitae indicates that this missense variant is not expected to disrupt SCN8A protein function with a negative predictive value of 95%. In summary, the available evidence is currently insufficient to determine the role of this variant in disease. Therefore, it has been classified as a Variant of Uncertain Significance.